The following is an entry in ClinVar:

ClinVar aggregate classification (germline): Pathogenic (1 of 4 stars; one submission).

Conditions:
Methylcobalamin deficiency type cblE (HMAE). Also called: VITAMIN B12-RESPONSIVE HOMOCYSTINURIA, cblE TYPE; HOMOCYSTINURIA-MEGALOBLASTIC ANEMIA, cblE TYPE; HOMOCYSTINURIA-MEGALOBLASTIC ANEMIA, cblE COMPLEMENTATION TYPE. Identifiers: Orphanet 2169, Orphanet 622, MedGen C1856057, MONDO:0009354, OMIM 236270.

Submission:

Labcorp Genetics (formerly Invitae), Labcorp
Classification: Pathogenic for Methylcobalamin deficiency type cblE. Last evaluated: 2023-11-09. Review status: criteria provided, single submitter. Criteria: Invitae Variant Classification Sherloc (09022015). Collection method: clinical testing. Allele origin: unknown.
Comment: This variant is a gross deletion of the genomic region encompassing exon(s) 10 of the MTRR gene. This deletion is out-of-frame, and is expected to create a premature termination codon and result in an absent or disrupted protein product. Loss-of-function variants in MTRR are known to be pathogenic (PMID: 15714522). This variant has not been reported in the literature in individuals affected with MTRR-related conditions. For these reasons, this variant has been classified as Pathogenic.

Literature cited by the submitters: PubMed 15714522.

NC_000005.9:g.(?_7891465)_(7891547_?)del

Gene: MTRR (5-methyltetrahydrofolate-homocysteine methyltransferase reductase; plus strand). Cytogenetic location: 5p15.31.
Variant type: Deletion.
Identifiers: ClinVar variation 3246349 (VCV003246349.1).